The following is an entry in ClinVar:

NM_004260.4(RECQL4):c.2045G>A (p.Arg682Lys)

Gene: RECQL4 (RecQ like helicase 4; minus strand). Cytogenetic location: 8q24.3.
Variant type: single nucleotide variant.
Coding change: c.2045G>A on transcript NM_004260.4 (MANE Select); coding-DNA position 2045, G replaced by A.
Protein change: p.Arg682Lys; replaces arginine 682 with lysine.
Molecular consequence: missense variant. On other transcripts: non-coding transcript variant (3).
Genome position (GRCh38, 1-based): chr8:144,513,941, C>T on the plus strand (G>A on the coding strand, the complement: RECQL4 is on the minus strand). VCF-style: chr8-144513941-C-T. GRCh37 (hg19) VCF-style: chr8-145739325-C-T.
Other names: c.1916G>A, p.Arg639Lys (NM_001413025.1); c.908G>A, p.Arg303Lys (NM_001413027.1, NM_001413030.1, NM_001413032.1 and 1 more transcripts); c.974G>A, p.Arg325Lys (NM_001413028.1, NM_001413034.1, NM_001413021.1 and 6 more transcripts); c.1694G>A, p.Arg565Lys (NM_001413029.1); c.776G>A, p.Arg259Lys (NM_001413031.1); c.1913G>A, p.Arg638Lys (NM_001413033.1); c.1949G>A, p.Arg650Lys (NM_001413017.1, NM_001413020.1); c.2045G>A, p.Arg682Lys (NM_001413018.1, NM_001413019.1, NM_001413036.1); and 4 more; short protein forms R193K, R315K, R259K, R565K, R638K, R672K, R682K, R303K.
Identifiers: ClinVar variation 2987315 (VCV002987315.3), dbSNP rs2538030989, ClinGen allele CA372680247.

ClinVar aggregate classification (germline): Uncertain significance (1 of 4 stars; one submission).

Conditions:
Baller-Gerold syndrome (BGS). Also called: CRANIOSYNOSTOSIS WITH RADIAL DEFECTS. Identifiers: Orphanet 1225, MedGen C0265308, MONDO:0009039, OMIM 218600.

Submission:

Labcorp Genetics (formerly Invitae), Labcorp
Classification: Uncertain significance for Baller-Gerold syndrome. Last evaluated: 2023-04-22. Review status: criteria provided, single submitter. Criteria: Invitae Variant Classification Sherloc (09022015). Collection method: clinical testing. Allele origin: germline.
Comment: In summary, the available evidence is currently insufficient to determine the role of this variant in disease. Therefore, it has been classified as a Variant of Uncertain Significance. Advanced modeling of protein sequence and biophysical properties (such as structural, functional, and spatial information, amino acid conservation, physicochemical variation, residue mobility, and thermodynamic stability) performed at Invitae indicates that this missense variant is not expected to disrupt RECQL4 protein function. This variant has not been reported in the literature in individuals affected with RECQL4-related conditions. This variant is not present in population databases (gnomAD no frequency). This sequence change replaces arginine, which is basic and polar, with lysine, which is basic and polar, at codon 682 of the RECQL4 protein (p.Arg682Lys).